The following is an entry in ClinVar:

NM_001190274.2(FBXO11):c.1160C>T (p.Ser387Phe)

Gene: FBXO11 (F-box protein 11; minus strand). Cytogenetic location: 2p16.3.
Variant type: single nucleotide variant.
Coding change: c.1160C>T on transcript NM_001190274.2 (MANE Select); coding-DNA position 1160, C replaced by T.
Protein change: p.Ser387Phe; replaces serine 387 with phenylalanine.
Molecular consequence: missense variant.
Genome position (GRCh38, 1-based): chr2:47,832,672, G>A on the plus strand (C>T on the coding strand, the complement: FBXO11 is on the minus strand). VCF-style: chr2-47832672-G-A. GRCh37 (hg19) VCF-style: chr2-48059811-G-A.
Other names: c.908C>T, p.Ser303Phe (NM_001374325.1, NM_025133.4); short protein forms S303F, S387F.
Identifiers: ClinVar variation 1513389 (VCV001513389.8), dbSNP rs2104809550, ClinGen allele CA346765712.

ClinVar aggregate classification (germline): Uncertain significance (1 of 4 stars; one submission).

Submission:

Labcorp Genetics (formerly Invitae), Labcorp
Classification: Uncertain significance. Last evaluated: 2023-05-20. Review status: criteria provided, single submitter. Criteria: Invitae Variant Classification Sherloc (09022015). Collection method: clinical testing. Allele origin: germline.
Comment: In summary, the available evidence is currently insufficient to determine the role of this variant in disease. Therefore, it has been classified as a Variant of Uncertain Significance. An algorithm developed to predict the effect of missense changes on protein structure and function (PolyPhen-2) suggests that this variant is likely to be disruptive. ClinVar contains an entry for this variant (Variation ID: 1513389). This variant has not been reported in the literature in individuals affected with FBXO11-related conditions. This variant is not present in population databases (gnomAD no frequency). This sequence change replaces serine, which is neutral and polar, with phenylalanine, which is neutral and non-polar, at codon 387 of the FBXO11 protein (p.Ser387Phe).